The following is an entry in ClinVar:

NM_003640.5(ELP1):c.1727G>A (p.Gly576Asp)

Gene: ELP1 (elongator acetyltransferase complex subunit 1; minus strand). Cytogenetic location: 9q31.3.
Variant type: single nucleotide variant.
Coding change: c.1727G>A on transcript NM_003640.5 (MANE Select); coding-DNA position 1727, G replaced by A.
Protein change: p.Gly576Asp; replaces glycine 576 with aspartic acid.
Molecular consequence: missense variant.
Genome position (GRCh38, 1-based): chr9:108,903,586, C>T on the plus strand (G>A on the coding strand, the complement: ELP1 is on the minus strand). VCF-style: chr9-108903586-C-T. GRCh37 (hg19) VCF-style: chr9-111665866-C-T.
Other names: c.1385G>A, p.Gly462Asp (NM_001318360.2); c.680G>A, p.Gly227Asp (NM_001330749.2); c.1727G>A (NM_003640.4); short protein forms G227D, G462D, G576D.
Identifiers: ClinVar variation 2074478 (VCV002074478.5), dbSNP rs56229130, ClinGen allele CA5174922.
Genomic context (GRCh38, chr9:108,903,586, plus strand): 5'-AAGTCATAACATGCTTTCCTAACACCTTGATACTCACCCCAAAGGTACTTAAATATCTGG[C>T]CATCAGCCAGCTGTAATACTACTGACTTGGTCTTGGAATTGCAACATAGACTGATTATGA-3'
Protein context (NP_003631.2, residues 566-586): TKSVVLQLAD[Gly576Asp]QIFKYLWESP

ClinVar aggregate classification (germline): Uncertain significance. Review status: criteria provided, multiple submitters, no conflicts (2 of 4 stars). 4 submissions from 4 submitters: Uncertain significance (4). Last evaluated 2025-07-23.

Conditions:
Familial dysautonomia. Also called: HSAN III; FD. Identifiers: Orphanet 1764, MedGen C0013364, MONDO:0009131, OMIM 223900. Disease mechanism: loss of function.
Medulloblastoma (MDB). Also called: Medulloblastoma, somatic; MEDULLOBLASTOMA PREDISPOSITION SYNDROME. Identifiers: Orphanet 616, MedGen C0025149, MeSH D008527, MONDO:0007959, OMIM 155255, HP:0002885.
ELP1-related disorder. Also called: ELP1-related condition.

Allele frequency attached by ClinVar (database versions not stated): gnomAD exomes 0.00002; ExAC 0.00003; gnomAD 0.00004; TOPMed 0.00004; 1000 Genomes Project 30x 0.00016; 1000 Genomes Project 0.00020.
gnomAD v4.1: 34 of 1,613,262 alleles (0.0021%); highest among the groups gnomAD compares: Non-Finnish European, 0.0028%; no homozygotes.

Submissions (4):

PreventionGenetics, part of Exact Sciences
Classification: Uncertain significance for ELP1-related condition. Last evaluated: 2025-07-23. Review status: criteria provided, single submitter. Criteria: ACMG Guidelines, 2015. Collection method: clinical testing. Allele origin: germline.
Comment: The ELP1 c.1727G>A variant is predicted to result in the amino acid substitution p.Gly576Asp. To our knowledge, this variant has not been reported in the literature. This variant is reported in 0.0078% of alleles in individuals of European (Non-Finnish) descent in gnomAD. At this time, the clinical significance of this variant is uncertain due to the absence of conclusive functional and genetic evidence.

Fulgent Genetics
Classification: Uncertain significance for Medulloblastoma; Familial dysautonomia. Last evaluated: 2024-03-04. Review status: criteria provided, single submitter. Criteria: ACMG Guidelines, 2015. Collection method: clinical testing. Allele origin: germline.

Ambry Genetics
Classification: Uncertain significance. Last evaluated: 2023-07-24. Review status: criteria provided, single submitter. Criteria: Ambry Variant Classification Scheme 2023. Collection method: clinical testing. Allele origin: germline.

Labcorp Genetics (formerly Invitae), Labcorp
Classification: Uncertain significance. Last evaluated: 2022-07-08. Review status: criteria provided, single submitter. Criteria: Invitae Variant Classification Sherloc (09022015). Collection method: clinical testing. Allele origin: germline.
Comment: This sequence change replaces glycine, which is neutral and non-polar, with aspartic acid, which is acidic and polar, at codon 576 of the ELP1 protein (p.Gly576Asp). This variant is present in population databases (rs56229130, gnomAD 0.007%). This variant has not been reported in the literature in individuals affected with ELP1-related conditions. Algorithms developed to predict the effect of missense changes on protein structure and function are either unavailable or do not agree on the potential impact of this missense change (SIFT: "Deleterious"; PolyPhen-2: "Probably Damaging"; Align-GVGD: "Class C0"). In summary, the available evidence is currently insufficient to determine the role of this variant in disease. Therefore, it has been classified as a Variant of Uncertain Significance.